The following is an entry in ClinVar:

ClinVar aggregate classification (germline): Uncertain significance (1 of 4 stars; one submission).

Submission:

CeGaT Center for Human Genetics Tuebingen
Classification: Uncertain significance. Last evaluated: 2025-09-01. Review status: criteria provided, single submitter. Criteria: CeGaT Center For Human Genetics Tuebingen Variant Classification Criteria Version 2. Collection method: clinical testing. Allele origin: germline. Affected: yes. Observed: 1 variant allele.
Comment: BRWD3: PM2

NM_153252.5(BRWD3):c.2646A>G (p.Ile882Met)

Gene: BRWD3 (bromodomain and WD repeat domain containing 3; minus strand). Cytogenetic location: Xq21.1.
Variant type: single nucleotide variant.
Coding change: c.2646A>G on transcript NM_153252.5 (MANE Select); coding-DNA position 2646, A replaced by G.
Protein change: p.Ile882Met; replaces isoleucine 882 with methionine.
Molecular consequence: missense variant.
Genome position (GRCh38, 1-based): chrX:80,704,753, T>C on the plus strand (A>G on the coding strand, the complement: BRWD3 is on the minus strand). VCF-style: chrX-80704753-T-C. GRCh37 (hg19) VCF-style: chrX-79960252-T-C.
Other names: c.2496A>G, p.Ile832Met (NM_001441339.1); short protein forms I832M, I882M.
Identifiers: ClinVar variation 4281440 (VCV004281440.7).